The following is an entry in ClinVar:

ClinVar aggregate classification (germline): Uncertain significance (1 of 4 stars; one submission).

Submission:

Labcorp Genetics (formerly Invitae), Labcorp
Classification: Uncertain significance. Last evaluated: 2022-08-16. Review status: criteria provided, single submitter. Criteria: Invitae Variant Classification Sherloc (09022015). Collection method: clinical testing. Allele origin: germline.
Comment: In summary, the available evidence is currently insufficient to determine the role of this variant in disease. Therefore, it has been classified as a Variant of Uncertain Significance. This variant has not been reported in the literature in individuals affected with DNA2-related conditions. This variant is a gross deletion of the genomic region encompassing exon(s) 4-5 of the DNA2 gene. This deletion is out-of-frame, and is expected to create a premature translational stop signal and result in an absent or disrupted protein product. However, the current clinical and genetic evidence is not sufficient to establish whether loss-of-function variants in DNA2 cause disease.

NC_000010.10:g.(?_70218841)_(70225589_?)del

Gene: DNA2 (DNA replication helicase/nuclease 2; minus strand). Cytogenetic location: 10q21.3.
Variant type: Deletion.
Identifiers: ClinVar variation 2423643 (VCV002423643.4).